The following is an entry in ClinVar:

ClinVar aggregate classification (germline): Conflicting classifications of pathogenicity. Review status: criteria provided, conflicting classifications (1 of 4 stars). 2 submissions from 2 submitters: Likely pathogenic (1); Uncertain significance (1). Last evaluated 2025-08-14.

Conditions:
Galactosemia. Also called: Galactose intolerance. Identifiers: Orphanet 352, MedGen C0016952, MONDO:0018116, HP:0004919. Disease mechanism: loss of function.

Allele frequency attached by ClinVar (database versions not stated): ESP Exome Variant Server 0.00008.
gnomAD v4.1: 3 of 1,614,070 alleles (0.00019%); highest among the groups gnomAD compares: Non-Finnish European, 0.00025%; no homozygotes.

Submissions (2):

Natera, Inc.
Classification: Likely pathogenic for Galactosemia. Last evaluated: 2025-08-14. Review status: criteria provided, single submitter. Criteria: Natera Variant Classification Schema (03/2026). Collection method: clinical testing. Allele origin: germline.
Comment: The c.377+7A>C variant in GALT is an intronic variant located outside the canonical splice sites. This variant is rare in the general population with a frequency below the threshold expected for the associated phenotype(s). This variant has been observed in one or more individuals affected with the associated recessive disease, as either homozygous or compound heterozygous with a second variant (PMID: 31358168, 31845337). This variant has been observed to segregate in affected family members (PMID: 31845337, 31358168). This variant has been identified in one or more affected individual with a phenotype highly consistent with the associated gene (PMID: 31845337). Given the available evidence, this variant is classified as Likely Pathogenic.

Eurofins Ntd Llc (ga)
Classification: Uncertain significance. Last evaluated: 2015-09-24. Review status: criteria provided, single submitter. Criteria: EGL Classification Definitions 2015. Collection method: clinical testing. Allele origin: germline. Observed: 2 variant alleles, 2 heterozygotes.

Literature cited by the submitters: PubMed 31358168 (cited by Natera, Inc.); PubMed 31845337 (cited by Natera, Inc.).

NM_000155.4(GALT):c.377+7A>C

Gene: GALT (galactose-1-phosphate uridylyltransferase; plus strand). Cytogenetic location: 9p13.3.
Variant type: single nucleotide variant.
Coding change: c.377+7A>C on transcript NM_000155.4 (MANE Select); 7 bases into the intron after coding-DNA position 377, A replaced by C.
Molecular consequence: intron variant.
Genome position (GRCh38, 1-based): chr9:34,647,712, A>C. VCF-style: chr9-34647712-A-C. GRCh37 (hg19) VCF-style: chr9-34647709-A-C.
Other names: c.377+7A>C (NM_000155.3); c.51-120A>C (NM_001258332.2).
Identifiers: ClinVar variation 280961 (VCV000280961.6), dbSNP rs376026879, ClinGen allele CA10603755.